The following is an entry in ClinVar:

NM_005765.3(ATP6AP2):c.222T>G (p.Ala74=)

Gene: ATP6AP2 (ATPase H+ transporting accessory protein 2; plus strand). Cytogenetic location: Xp11.4.
Variant type: single nucleotide variant.
Coding change: c.222T>G on transcript NM_005765.3 (MANE Select); coding-DNA position 222, T replaced by G.
Protein change: p.Ala74=; no amino-acid change (alanine 74 retained).
Molecular consequence: synonymous variant.
Genome position (GRCh38, 1-based): chrX:40,591,287, T>G. VCF-style: chrX-40591287-T-G. GRCh37 (hg19) VCF-style: chrX-40450539-T-G.
Identifiers: ClinVar variation 513119 (VCV000513119.6), dbSNP rs771044157, ClinGen allele CA10387179.

ClinVar aggregate classification (germline): Likely benign. Review status: criteria provided, multiple submitters, no conflicts (2 of 4 stars). 2 submissions from 2 submitters: Likely benign (2). Last evaluated 2025-06-09.

Conditions:
Intellectual developmental disorder, X-linked, syndromic, Hedera type. Also called: Syndromic X-linked intellectual disability Hedera type. Identifiers: Orphanet 93952, MedGen C1845543, MONDO:0010319, OMIM 300423.

Allele frequency attached by ClinVar (database versions not stated): ExAC 0.00001; TOPMed 0.00004; gnomAD exomes below 0.00001 and 0.00001; 1000 Genomes Project 0.00026; gnomAD 0.00001; 1000 Genomes Project 30x 0.00042.
gnomAD v4.1: 4 of 1,209,316 alleles (0.00033%); highest among the groups gnomAD compares: African/African-American, 0.0052%; no homozygotes.

Submissions (2):

Labcorp Genetics (formerly Invitae), Labcorp
Classification: Likely benign for Intellectual developmental disorder, X-linked, syndromic, Hedera type. Last evaluated: 2025-06-09. Review status: criteria provided, single submitter. Criteria: Invitae Variant Classification Sherloc (09022015). Collection method: clinical testing. Allele origin: germline.

GeneDx
Classification: Likely benign. Last evaluated: 2017-11-07. Review status: criteria provided, single submitter. Criteria: GeneDx Variant Classification (06012015). Collection method: clinical testing. Allele origin: germline. Affected: yes.
Comment: This variant is considered likely benign or benign based on one or more of the following criteria: it is a conservative change, it occurs at a poorly conserved position in the protein, it is predicted to be benign by multiple in silico algorithms, and/or has population frequency not consistent with disease.